The following is an entry in ClinVar:

NM_001008537.3(NEXMIF):c.3092G>A (p.Ser1031Asn)

Gene: NEXMIF (neurite extension and migration factor; minus strand). Cytogenetic location: Xq13.3.
Variant type: single nucleotide variant.
Coding change: c.3092G>A on transcript NM_001008537.3 (MANE Select); coding-DNA position 3092, G replaced by A.
Protein change: p.Ser1031Asn; replaces serine 1031 with asparagine.
Molecular consequence: missense variant.
Genome position (GRCh38, 1-based): chrX:74,741,465, C>T on the plus strand (G>A on the coding strand, the complement: NEXMIF is on the minus strand). VCF-style: chrX-74741465-C-T. GRCh37 (hg19) VCF-style: chrX-73961300-C-T.
Other names: short protein forms S1031N.
Identifiers: ClinVar variation 1052917 (VCV001052917.5), dbSNP rs2147439711, ClinGen allele CA413666732.
Genomic context (GRCh38, chrX:74,741,465, plus strand): 5'-TCAGTGGACTCCTTTAGTGGTGCTATCTCATCAATGCTTTGCTGGATCACCAGCTTAGGG[C>T]TGCAATGGGCCAGGAAGTCATCAGTGATATCATCATCGCCATCCTTTTCACAGGACTTCA-3'
Protein context (NP_001008537.1, residues 1021-1041): DITDDFLAHC[Ser1031Asn]PKLVIQQSID

ClinVar aggregate classification (germline): Uncertain significance (1 of 4 stars; one submission).

Allele frequency attached by ClinVar (database versions not stated): gnomAD exomes below 0.00001.
gnomAD v4.1: 2 of 1,211,587 alleles (0.00017%); highest among the groups gnomAD compares: Non-Finnish European, 0.00022%; no homozygotes.

Submission:

Labcorp Genetics (formerly Invitae), Labcorp
Classification: Uncertain significance. Last evaluated: 2024-05-22. Review status: criteria provided, single submitter. Criteria: Invitae Variant Classification Sherloc (09022015). Collection method: clinical testing. Allele origin: germline.
Comment: This sequence change replaces serine, which is neutral and polar, with asparagine, which is neutral and polar, at codon 1031 of the NEXMIF protein (p.Ser1031Asn). This variant is not present in population databases (gnomAD no frequency). This missense change has been observed in individual(s) with clinical features of NEXMIF-related disease (Invitae). ClinVar contains an entry for this variant (Variation ID: 1052917). An algorithm developed to predict the effect of missense changes on protein structure and function (PolyPhen-2) suggests that this variant is likely to be disruptive. In summary, the available evidence is currently insufficient to determine the role of this variant in disease. Therefore, it has been classified as a Variant of Uncertain Significance.